The following is an entry in ClinVar:

NM_002838.5(PTPRC):c.3067A>G (p.Ile1023Val)

Gene: PTPRC (protein tyrosine phosphatase receptor type C; plus strand). Cytogenetic location: 1q32.1.
Variant type: single nucleotide variant.
Coding change: c.3067A>G on transcript NM_002838.5 (MANE Select); coding-DNA position 3067, A replaced by G.
Protein change: p.Ile1023Val; replaces isoleucine 1023 with valine.
Molecular consequence: missense variant.
Genome position (GRCh38, 1-based): chr1:198,749,544, A>G. VCF-style: chr1-198749544-A-G. GRCh37 (hg19) VCF-style: chr1-198718673-A-G.
Other names: c.2584A>G, p.Ile862Val (NM_080921.4); short protein forms I1023V, I862V.
Identifiers: ClinVar variation 834546 (VCV000834546.7), dbSNP rs779502543, ClinGen allele CA1315311.

ClinVar aggregate classification (germline): Uncertain significance (1 of 4 stars; one submission).

Conditions:
Immunodeficiency 104. Also called: Severe combined immunodeficiency, autosomal recessive, T cell-negative, B cell-positive, NK cell-positive; SCID, AUTOSOMAL RECESSIVE, T CELL-NEGATIVE, B CELL-POSITIVE, NK CELL-POSITIVE; Severe Combined Immune Deficiency, Autosomal Recessive, TCell -Negative, B Cell-Positive, NK Cell-Positive, IL7R-Related; IMMUNODEFICIENCY 104, SEVERE COMBINED. Identifiers: MedGen C5676890, MONDO:0012163, OMIM 608971.

Allele frequency attached by ClinVar (database versions not stated): gnomAD exomes below 0.00001 and 0.00001; ExAC 0.00001; gnomAD 0.00001.
gnomAD v4.1: 4 of 1,610,562 alleles (0.00025%); highest among the groups gnomAD compares: Non-Finnish European, 0.00034%; no homozygotes.

Submission:

Labcorp Genetics (formerly Invitae), Labcorp
Classification: Uncertain significance for Immunodeficiency 104. Last evaluated: 2021-08-27. Review status: criteria provided, single submitter. Criteria: Invitae Variant Classification Sherloc (09022015). Collection method: clinical testing. Allele origin: germline.
Comment: This sequence change replaces isoleucine with valine at codon 1023 of the PTPRC protein (p.Ile1023Val). The isoleucine residue is moderately conserved and there is a small physicochemical difference between isoleucine and valine. This variant is present in population databases (rs779502543, ExAC 0.002%). This variant has not been reported in the literature in individuals affected with PTPRC-related conditions. Algorithms developed to predict the effect of missense changes on protein structure and function output the following: SIFT: "Tolerated"; PolyPhen-2: "Benign"; Align-GVGD: "Class C0". The valine amino acid residue is found in multiple mammalian species, which suggests that this missense change does not adversely affect protein function. In summary, the available evidence is currently insufficient to determine the role of this variant in disease. Therefore, it has been classified as a Variant of Uncertain Significance.